The following is an entry in ClinVar:

NM_018060.4(IARS2):c.2450G>A (p.Arg817His)

Gene: IARS2 (isoleucyl-tRNA synthetase 2, mitochondrial; plus strand). Cytogenetic location: 1q41.
Variant type: single nucleotide variant.
Coding change: c.2450G>A on transcript NM_018060.4 (MANE Select); coding-DNA position 2450, G replaced by A.
Protein change: p.Arg817His; replaces arginine 817 with histidine.
Molecular consequence: missense variant.
Genome position (GRCh38, 1-based): chr1:220,141,838, G>A. VCF-style: chr1-220141838-G-A. GRCh37 (hg19) VCF-style: chr1-220315180-G-A.
Other names: short protein forms R817H.
Identifiers: ClinVar variation 638570 (VCV000638570.4), dbSNP rs146618526, ClinGen allele CA1401781.

ClinVar aggregate classification (germline): Pathogenic/Likely pathogenic. Review status: criteria provided, multiple submitters, no conflicts (2 of 4 stars). 4 submissions from 4 submitters: Pathogenic (1); Likely pathogenic (2). 1 of the submissions does not count toward it. Last evaluated 2025-07-02.

Conditions:
Cataract-growth hormone deficiency-sensory neuropathy-sensorineural hearing loss-skeletal dysplasia syndrome. Also called: Cataracts, growth hormone deficiency, sensory neuropathy, sensorineural hearing loss, and skeletal dysplasia. Identifiers: Orphanet 436174, MedGen C4014942, MONDO:0014455, OMIM 616007.

Allele frequency attached by ClinVar (database versions not stated): TOPMed 0.00001.
gnomAD v4.1: 23 of 1,614,072 alleles (0.0014%); highest among the groups gnomAD compares: East Asian, 0.038%; no homozygotes.

Submissions (4):

GeneDx
Classification: Likely pathogenic. Last evaluated: 2025-07-02. Review status: criteria provided, single submitter. Criteria: GeneDx Variant Classification Process June 2021. Collection method: clinical testing. Allele origin: germline. Affected: yes.
Comment: Published functional studies demonstrate a damaging effect on protein function leading to mitochondrial dysfunction (PMID: 39169373); In silico analysis supports that this missense variant has a deleterious effect on protein structure/function; This variant is associated with the following publications: (PMID: 30041933, 32020600, 33327715, 39169373, 36704128, 38229969, 37645600)

Labcorp Genetics (formerly Invitae), Labcorp
Classification: Pathogenic. Last evaluated: 2025-02-13. Review status: criteria provided, single submitter. Criteria: Invitae Variant Classification Sherloc (09022015). Collection method: clinical testing. Allele origin: germline.
Comment: This sequence change replaces arginine, which is basic and polar, with histidine, which is basic and polar, at codon 817 of the IARS2 protein (p.Arg817His). This variant is present in population databases (rs146618526, gnomAD 0.02%). This missense change has been observed in individual(s) with IARS2-related conditions (PMID: 30041933, 32020600, 33327715, 36704128). In at least one individual the data is consistent with being in trans (on the opposite chromosome) from a pathogenic variant. ClinVar contains an entry for this variant (Variation ID: 638570). An algorithm developed to predict the effect of missense changes on protein structure and function (PolyPhen-2) suggests that this variant is likely to be disruptive. Studies have shown that this missense change alters IARS2 gene expression (PMID: 30041933). For these reasons, this variant has been classified as Pathogenic.

First Genomix Gene Laboratory, Genetic Diagnostics Department
Classification: Likely pathogenic for Cataract-growth hormone deficiency-sensory neuropathy-sensorineural hearing loss-skeletal dysplasia syndrome. Last evaluated: 2025-01-27. Review status: criteria provided, single submitter. Criteria: ACMG Guidelines, 2015. Collection method: clinical testing. Allele origin: germline. Inheritance: Autosomal recessive inheritance. Affected: no. Observed: 1 variant allele.

OMIM
Classification: Pathogenic for CATARACTS, GROWTH HORMONE DEFICIENCY, SENSORY NEUROPATHY, SENSORINEURAL HEARING LOSS, AND SKELETAL DYSPLASIA. Last evaluated: 2019-07-31. Review status: no assertion criteria provided. Collection method: literature only. Allele origin: germline. Not counted in ClinVar's aggregate classification.

Literature cited by the submitters: PubMed 30041933 (cited by Labcorp Genetics (formerly Invitae), Labcorp and OMIM); PubMed 32020600 (cited by Labcorp Genetics (formerly Invitae), Labcorp); PubMed 33327715 (cited by Labcorp Genetics (formerly Invitae), Labcorp); PubMed 36704128 (cited by Labcorp Genetics (formerly Invitae), Labcorp).